The following is an entry in ClinVar:

ClinVar aggregate classification (germline): Uncertain significance (1 of 4 stars; one submission).

Allele frequency attached by ClinVar (database versions not stated): ExAC 0.00001.

Submission:

Labcorp Genetics (formerly Invitae), Labcorp
Classification: Uncertain significance. Last evaluated: 2022-09-21. Review status: criteria provided, single submitter. Criteria: Invitae Variant Classification Sherloc (09022015). Collection method: clinical testing. Allele origin: germline.
Comment: This sequence change replaces alanine, which is neutral and non-polar, with serine, which is neutral and polar, at codon 632 of the ITGAM protein (p.Ala632Ser). In summary, the available evidence is currently insufficient to determine the role of this variant in disease. Therefore, it has been classified as a Variant of Uncertain Significance. Algorithms developed to predict the effect of missense changes on protein structure and function are either unavailable or do not agree on the potential impact of this missense change (SIFT: "Tolerated"; PolyPhen-2: "Possibly Damaging"; Align-GVGD: "Class C0"). This variant has not been reported in the literature in individuals affected with ITGAM-related conditions. This variant is present in population databases (rs762920700, gnomAD 0.006%).

NM_000632.4(ITGAM):c.1894G>T (p.Ala632Ser)

Gene: ITGAM (integrin subunit alpha M; plus strand). Cytogenetic location: 16p11.2.
Variant type: single nucleotide variant.
Coding change: c.1894G>T on transcript NM_000632.4 (MANE Select); coding-DNA position 1894, G replaced by T.
Protein change: p.Ala632Ser; replaces alanine 632 with serine.
Molecular consequence: missense variant.
Genome position (GRCh38, 1-based): chr16:31,321,519, G>T. VCF-style: chr16-31321519-G-T. GRCh37 (hg19) VCF-style: chr16-31332840-G-T.
Other names: c.1897G>T, p.Ala633Ser (NM_001145808.2); short protein forms A633S, A632S.
Identifiers: ClinVar variation 2047783 (VCV002047783.4), dbSNP rs762920700, ClinGen allele CA8025682.